The following is an entry in ClinVar:

ClinVar aggregate classification (germline): Uncertain significance. Review status: criteria provided, multiple submitters, no conflicts (2 of 4 stars). 2 submissions from 2 submitters: Uncertain significance (2). Last evaluated 2025-07-27.

Conditions:
Familial thoracic aortic aneurysm and aortic dissection (TAAD). Also called: Thoracic aortic aneurysms and dissections. Identifiers: Orphanet 91387, MedGen C4707243, MONDO:0019625.

Allele frequency attached by ClinVar (database versions not stated): gnomAD exomes below 0.00001; gnomAD 0.00001; ExAC 0.00003; 1000 Genomes Project 30x 0.00016; 1000 Genomes Project 0.00020.
gnomAD v4.1: 3 of 1,610,200 alleles (0.00019%); highest among the groups gnomAD compares: East Asian, 0.0067%; no homozygotes.

Submissions (2):

Labcorp Genetics (formerly Invitae), Labcorp
Classification: Uncertain significance for Familial thoracic aortic aneurysm and aortic dissection. Last evaluated: 2025-07-27. Review status: criteria provided, single submitter. Criteria: Invitae Variant Classification Sherloc (09022015). Collection method: clinical testing. Allele origin: germline.
Comment: This sequence change replaces arginine, which is basic and polar, with lysine, which is basic and polar, at codon 465 of the TGFBR1 protein (p.Arg465Lys). This variant is not present in population databases (gnomAD no frequency). This variant has not been reported in the literature in individuals affected with TGFBR1-related conditions. ClinVar contains an entry for this variant (Variation ID: 1172414). Invitae Evidence Modeling of protein sequence and biophysical properties (such as structural, functional, and spatial information, amino acid conservation, physicochemical variation, residue mobility, and thermodynamic stability) indicates that this missense variant is not expected to disrupt TGFBR1 protein function with a negative predictive value of 80%. In summary, the available evidence is currently insufficient to determine the role of this variant in disease. Therefore, it has been classified as a Variant of Uncertain Significance.

Color Diagnostics, LLC DBA Color Health
Classification: Uncertain significance for Familial thoracic aortic aneurysm and aortic dissection. Last evaluated: 2024-03-06. Review status: criteria provided, single submitter. Criteria: ACMG Guidelines, 2015. Collection method: clinical testing. Allele origin: germline.
Comment: This missense variant replaces arginine with lysine at codon 465 of the TGFBR1 protein. Computational prediction suggests that this variant may not impact protein structure and function (internally defined REVEL score threshold <= 0.5, PMID: 27666373). To our knowledge, functional studies have not been reported for this variant. This variant has not been reported in individuals affected with cardiovascular disorders in the literature. This variant has been identified in 3/243678 chromosomes in the general population by the Genome Aggregation Database (gnomAD). The available evidence is insufficient to determine the role of this variant in disease conclusively. Therefore, this variant is classified as a Variant of Uncertain Significance.

NM_004612.4(TGFBR1):c.1394G>A (p.Arg465Lys)

Gene: TGFBR1 (transforming growth factor beta receptor 1; plus strand). Cytogenetic location: 9q22.33.
Variant type: single nucleotide variant.
Coding change: c.1394G>A on transcript NM_004612.4 (MANE Select); coding-DNA position 1394, G replaced by A.
Protein change: p.Arg465Lys; replaces arginine 465 with lysine.
Molecular consequence: missense variant.
Genome position (GRCh38, 1-based): chr9:99,149,187, G>A. VCF-style: chr9-99149187-G-A. GRCh37 (hg19) VCF-style: chr9-101911469-G-A.
Other names: c.1406G>A, p.Arg469Lys (NM_001306210.2); c.1163G>A, p.Arg388Lys (NM_001130916.3); short protein forms R388K, R465K, R469K.
Identifiers: ClinVar variation 1172414 (VCV001172414.4), dbSNP rs556555554, ClinGen allele CA040828.
Genomic context (GRCh38, chr9:99,149,187, plus strand): 5'-GACCAATGGAAAATGGTGCATGCATTAATTTTTTTTTTTATATTTTCTTGTAGGCCTTGA[G>A]AGTAATGGCTAAAATTATGAGAGAATGTTGGTATGCCAATGGAGCAGCTAGGCTTACAGC-3'
Protein context (NP_004603.1, residues 455-475): PNRWQSCEAL[Arg465Lys]VMAKIMRECW